The following is an entry in ClinVar:

ClinVar aggregate classification (germline): Conflicting classifications of pathogenicity. Review status: criteria provided, conflicting classifications (1 of 4 stars). 7 submissions from 7 submitters: Uncertain significance (1); Benign (2); Likely benign (3). 1 of the submissions does not count toward it. Last evaluated 2026-01-12.

Conditions:
TNNT2-related disorder. Also called: TNNT2-related condition.
Dilated cardiomyopathy 1D. Identifiers: Orphanet 154, Orphanet 54260, MedGen C1832243, MONDO:0011095, OMIM 601494.
Cardiomyopathy, familial restrictive, 3. Identifiers: Orphanet 75249, MedGen C2676271, MONDO:0012900, OMIM 612422.
Hypertrophic cardiomyopathy 2. Also called: TNNT2-Related Familial Hypertrophic Cardiomyopathy. Identifiers: MedGen C1861864, MONDO:0007266, OMIM 115195.

Allele frequency attached by ClinVar (database versions not stated): gnomAD exomes 0.00009; 1000 Genomes Project 30x 0.00016; 1000 Genomes Project 0.00020; TOPMed 0.00022; gnomAD 0.00029; ESP Exome Variant Server 0.00046.
gnomAD v4.1: 94 of 1,614,018 alleles (0.0058%); highest among the groups gnomAD compares: African/African-American, 0.11%; 1 homozygote.

Submissions (7):

Labcorp Genetics (formerly Invitae), Labcorp
Classification: Benign for Cardiomyopathy, familial restrictive, 3; Hypertrophic cardiomyopathy 2; Dilated cardiomyopathy 1D. Last evaluated: 2026-01-12. Review status: criteria provided, single submitter. Criteria: Invitae Variant Classification Sherloc (09022015). Collection method: clinical testing. Allele origin: germline.

Molecular Diagnostic Laboratory for Inherited Cardiovascular Disease, Montreal Heart Institute
Classification: Likely benign. Last evaluated: 2025-04-09. Review status: criteria provided, single submitter. Criteria: ACMG Guidelines, 2015. Collection method: clinical testing. Allele origin: germline. Affected: no.

Women's Health and Genetics/Laboratory Corporation of America, LabCorp
Classification: Benign. Last evaluated: 2024-02-27. Review status: criteria provided, single submitter. Criteria: LabCorp Variant Classification Summary - May 2015. Collection method: clinical testing. Allele origin: germline.
Comment: Variant summary: TNNT2 c.41+16A>G alters a non-conserved nucleotide located at a position not widely known to affect splicing. Consensus agreement among computation tools predict no significant impact on normal splicing. However, these predictions have yet to be confirmed by functional studies. The variant allele was found at a frequency of 8.7e-05 in 251454 control chromosomes, predominantly at a frequency of 0.0012 within the African or African-American subpopulation in the gnomAD database. The observed variant frequency within African or African-American control individuals in the gnomAD database is approximately 4.8 fold of the estimated maximal expected allele frequency for a pathogenic variant in TNNT2 causing Hypertrophic Cardiomyopathy phenotype (0.00025), strongly suggesting that the variant is a benign polymorphism found primarily in populations of African or African-American origin. To our knowledge, no occurrence of c.41+16A>G in individuals affected with Hypertrophic Cardiomyopathy and no experimental evidence demonstrating its impact on protein function have been reported. ClinVar contains an entry for this variant (Variation ID: 93442). Based on the evidence outlined above, the variant was classified as benign.

Blueprint Genetics
Classification: Likely benign. Last evaluated: 2023-11-13. Review status: criteria provided, single submitter. Criteria: ACMG Guidelines, 2015. Collection method: clinical testing. Allele origin: germline.

GeneDx
Classification: Likely benign. Last evaluated: 2018-04-23. Review status: criteria provided, single submitter. Criteria: GeneDx Variant Classification (06012015). Collection method: clinical testing. Allele origin: germline. Affected: yes.
Comment: This variant is considered likely benign or benign based on one or more of the following criteria: it is a conservative change, it occurs at a poorly conserved position in the protein, it is predicted to be benign by multiple in silico algorithms, and/or has population frequency not consistent with disease.

Eurofins Ntd Llc (ga)
Classification: Uncertain significance. Last evaluated: 2013-03-12. Review status: criteria provided, single submitter. Criteria: EGL Classification Definitions 2015. Collection method: clinical testing. Allele origin: germline. Observed: 1 variant allele, 1 heterozygote.

PreventionGenetics, part of Exact Sciences
Classification: Likely benign for TNNT2-related condition. Last evaluated: 2021-04-17. Review status: no assertion criteria provided. Collection method: clinical testing. Allele origin: germline. Not counted in ClinVar's aggregate classification.
Comment: This variant is classified as likely benign based on ACMG/AMP sequence variant interpretation guidelines (Richards et al. 2015 PMID: 25741868, with internal and published modifications).

NM_001276345.2(TNNT2):c.41+16A>G

Gene: TNNT2 (troponin T2, cardiac type; minus strand). Cytogenetic location: 1q32.1.
Variant type: single nucleotide variant.
Coding change: c.41+16A>G on transcript NM_001276345.2 (MANE Select); 16 bases into the intron after coding-DNA position 41, A replaced by G.
Molecular consequence: intron variant.
Genome position (GRCh38, 1-based): chr1:201,373,198, T>C on the plus strand (A>G on the coding strand, the complement: TNNT2 is on the minus strand). VCF-style: chr1-201373198-T-C. GRCh37 (hg19) VCF-style: chr1-201342326-T-C.
Other names: c.41+16A>G (NM_001001432.3, NM_001001431.3, NM_001001430.3 and 3 more transcripts).
Identifiers: ClinVar variation 93442 (VCV000093442.20), dbSNP rs370729174, ClinGen allele CA004418.